The following is an entry in ClinVar:

NM_001190274.2(FBXO11):c.1388A>T (p.Asp463Val)

Gene: FBXO11 (F-box protein 11; minus strand). Cytogenetic location: 2p16.3.
Variant type: single nucleotide variant.
Coding change: c.1388A>T on transcript NM_001190274.2 (MANE Select); coding-DNA position 1388, A replaced by T.
Protein change: p.Asp463Val; replaces aspartic acid 463 with valine.
Molecular consequence: missense variant.
Genome position (GRCh38, 1-based): chr2:47,832,359, T>A on the plus strand (A>T on the coding strand, the complement: FBXO11 is on the minus strand). VCF-style: chr2-47832359-T-A. GRCh37 (hg19) VCF-style: chr2-48059498-T-A.
Other names: c.1136A>T, p.Asp379Val (NM_001374325.1, NM_025133.4); short protein forms D379V, D463V.
Identifiers: ClinVar variation 3722205 (VCV003722205.2).

ClinVar aggregate classification (germline): Uncertain significance (1 of 4 stars; one submission).

Submission:

Labcorp Genetics (formerly Invitae), Labcorp
Classification: Uncertain significance. Last evaluated: 2024-10-04. Review status: criteria provided, single submitter. Criteria: Invitae Variant Classification Sherloc (09022015). Collection method: clinical testing. Allele origin: germline.
Comment: This sequence change replaces aspartic acid, which is acidic and polar, with valine, which is neutral and non-polar, at codon 463 of the FBXO11 protein (p.Asp463Val). This variant is not present in population databases (gnomAD no frequency). This variant has not been reported in the literature in individuals affected with FBXO11-related conditions. An algorithm developed to predict the effect of missense changes on protein structure and function (PolyPhen-2) suggests that this variant is likely to be disruptive. In summary, the available evidence is currently insufficient to determine the role of this variant in disease. Therefore, it has been classified as a Variant of Uncertain Significance.